The following is an entry in ClinVar:

ClinVar aggregate classification (germline): Pathogenic/Likely pathogenic. Review status: criteria provided, multiple submitters, no conflicts (2 of 4 stars). 3 submissions from 3 submitters: Pathogenic (2); Likely pathogenic (1). Last evaluated 2025-09-24.

Conditions:
Mitochondrial trifunctional protein deficiency 1 (MTPD1). Identifiers: MedGen CN376812, MONDO:0958181, OMIM 609015.
Mitochondrial trifunctional protein deficiency. Identifiers: Orphanet 746, MedGen C1969443, MONDO:0012172.

Allele frequency attached by ClinVar (database versions not stated): gnomAD exomes below 0.00001 and 0.00001; ExAC 0.00001; gnomAD 0.00002 and 0.00003; TOPMed 0.00005; 1000 Genomes Project 0.00020; 1000 Genomes Project 30x 0.00031.
gnomAD v4.1: 6 of 1,603,842 alleles (0.00037%); highest among the groups gnomAD compares: Admixed American, 0.01%; no homozygotes.

Submissions (4):

Labcorp Genetics (formerly Invitae), Labcorp
Classification: Pathogenic for Mitochondrial trifunctional protein deficiency. Last evaluated: 2025-09-24. Review status: criteria provided, single submitter. Criteria: Invitae Variant Classification Sherloc (09022015). Collection method: clinical testing. Allele origin: germline.
Comment: This sequence change affects an acceptor splice site in intron 4 of the HADHB gene. It is expected to disrupt RNA splicing. Variants that disrupt the donor or acceptor splice site typically lead to a loss of protein function (PMID: 16199547), and loss-of-function variants in HADHB are known to be pathogenic (PMID: 9259266, 12754706). This variant is present in population databases (rs200777054, gnomAD 0.006%). Disruption of this splice site has been observed in individual(s) with trifunctional protein deficiency (PMID: 22494545, 24314034). It has also been observed to segregate with disease in related individuals. ClinVar contains an entry for this variant (Variation ID: 418243). Algorithms developed to predict the effect of variants on gene product structure and function are not available or were not evaluated for this variant. Experimental studies have shown that disruption of this splice site affects HADHB function (PMID: 24314034). Algorithms developed to predict the effect of sequence changes on RNA splicing suggest that this variant may disrupt the consensus splice site. For these reasons, this variant has been classified as Pathogenic.

Baylor Genetics
Classification: Pathogenic for Mitochondrial trifunctional protein deficiency 1. Last evaluated: 2024-03-18. Review status: criteria provided, single submitter. Criteria: ACMG Guidelines, 2015. Collection method: clinical testing. Allele origin: unknown.

GeneDx
Classification: Likely pathogenic. Last evaluated: 2017-02-02. Review status: criteria provided, single submitter. Criteria: GeneDx Variant Classification (06012015). Collection method: clinical testing. Allele origin: germline. Affected: yes.
Comment: The c.210-1 G>T splice site variant in the HADHB gene has been previously reported in an infant with an abnormal newborn screen and cardiomyopathy where a deletion of exon 4 was also found; phase of the variants is unknown (Wang et al., 2012). This variant destroys the canonical splice acceptor site in intron 4, and is expected to cause abnormal gene splicing. In summary, c.210-1 G>T is interpreted to be a likely pathogenic variant.

Dr. Peter K. Rogan Lab, Western University
No classification provided (evidence only). Condition: Thyroid cancer, nonmedullary, 1. Review status: no classification provided. Collection method: in vitro. Allele origin: not applicable. Functional consequence: retained intron. Not counted in ClinVar's aggregate classification.

Literature cited by the submitters: PubMed 16199547 (cited by Labcorp Genetics (formerly Invitae), Labcorp); PubMed 9259266 (cited by Labcorp Genetics (formerly Invitae), Labcorp); PubMed 12754706 (cited by Labcorp Genetics (formerly Invitae), Labcorp); PubMed 22494545 (cited by Labcorp Genetics (formerly Invitae), Labcorp); PubMed 24314034 (cited by Labcorp Genetics (formerly Invitae), Labcorp).

NM_000183.3(HADHB):c.210-1G>T

Gene: HADHB (hydroxyacyl-CoA dehydrogenase trifunctional multienzyme complex subunit beta; plus strand). Cytogenetic location: 2p23.3.
Variant type: single nucleotide variant.
Coding change: c.210-1G>T on transcript NM_000183.3 (MANE Select); the canonical splice acceptor site of the intron before coding-DNA position 210, G replaced by T.
Molecular consequence: splice acceptor variant. On other transcripts: intron variant (1).
Genome position (GRCh38, 1-based): chr2:26,269,952, G>T. VCF-style: chr2-26269952-G-T. GRCh37 (hg19) VCF-style: chr2-26492820-G-T.
Other names: c.144-1G>T (NM_001281513.2); c.210-3699G>T (NM_001281512.2).
Identifiers: ClinVar variation 418243 (VCV000418243.15), dbSNP rs200777054, ClinGen allele CA1560135.